The following is an entry in ClinVar:

NM_006231.4(POLE):c.876G>A (p.Gln292=)

Gene: POLE (DNA polymerase epsilon, catalytic subunit; minus strand). Cytogenetic location: 12q24.33.
Variant type: single nucleotide variant.
Coding change: c.876G>A on transcript NM_006231.4 (MANE Select); coding-DNA position 876, G replaced by A.
Protein change: p.Gln292=; no amino-acid change (glutamine 292 retained).
Molecular consequence: synonymous variant.
Genome position (GRCh38, 1-based): chr12:132,676,579, C>T on the plus strand (G>A on the coding strand, the complement: POLE is on the minus strand). VCF-style: chr12-132676579-C-T. GRCh37 (hg19) VCF-style: chr12-133253165-C-T.
Identifiers: ClinVar variation 1764600 (VCV001764600.6), dbSNP rs1324298673, ClinGen allele CA482723477.
Genomic context (GRCh38, chr12:132,676,579, plus strand): 5'-CTTACTTCCCAGAAGCCACCTGCTCACCTGGCCATCGATCATGTAGGAAATCATCATAAT[C>T]TGGTCTGTCTCAGCATCAGGAAACTTGAGGGGCAGTTTGGTCGTCTCAATGTCAAATGCC-3'
Protein context (NP_006222.2, residues 282-302): PLKFPDAETD[Gln292=]IMMISYMIDG

ClinVar aggregate classification (germline): Benign/Likely benign. Review status: criteria provided, multiple submitters, no conflicts (2 of 4 stars). 3 submissions from 3 submitters: Benign (1); Likely benign (2). Last evaluated 2025-02-07.

Conditions:
Hereditary cancer-predisposing syndrome. Also called: Neoplastic Syndromes, Hereditary; Tumor predisposition; Hereditary Cancer Syndrome; Hereditary neoplastic syndrome. Identifiers: Orphanet 140162, MedGen C0027672, MeSH D009386, MONDO:0015356.
Colorectal cancer, susceptibility to, 12 (CRCS12). Also called: COLORECTAL CANCER, SUSCEPTIBILITY TO, ON CHROMOSOME 12q24. Identifiers: Orphanet 220460, MedGen C3554460, MONDO:0014038, OMIM 615083.

Submissions (3):

Myriad Genetics, Inc.
Classification: Benign for Colorectal cancer, susceptibility to, 12. Last evaluated: 2025-02-07. Review status: criteria provided, single submitter. Criteria: Myriad Autosomal Dominant, Autosomal Recessive and X-Linked Classification Criteria (2023). Collection method: clinical testing. Allele origin: unknown.
Comment: This variant is considered benign. This variant is a silent/synonymous amino acid change and it is not expected to impact splicing.

Labcorp Genetics (formerly Invitae), Labcorp
Classification: Likely benign. Last evaluated: 2023-12-09. Review status: criteria provided, single submitter. Criteria: Invitae Variant Classification Sherloc (09022015). Collection method: clinical testing. Allele origin: germline.

Ambry Genetics
Classification: Likely benign for Hereditary cancer-predisposing syndrome. Last evaluated: 2021-05-14. Review status: criteria provided, single submitter. Criteria: Ambry Variant Classification Scheme 2023. Collection method: clinical testing. Allele origin: germline.